The following is an entry in ClinVar:

ClinVar aggregate classification (germline): Uncertain significance (1 of 4 stars; one submission).

Conditions:
SEMA3G-related disorder. Also called: SEMA3G-related condition.

gnomAD v4.1: 23 of 1,613,204 alleles (0.0014%); highest among the groups gnomAD compares: Non-Finnish European, 0.0017%; no homozygotes.

Submission:

PreventionGenetics, part of Exact Sciences
Classification: Uncertain significance for SEMA3G-related condition. Last evaluated: 2026-09-15. Review status: criteria provided, single submitter. Criteria: ACMG Guidelines, 2015. Collection method: clinical testing. Allele origin: germline.
Comment: The SEMA3G c.1928G>T variant is predicted to result in the amino acid substitution p.Arg643Leu. To our knowledge, this variant has not been reported in the literature. This variant is reported in 0.0027% of alleles in individuals of European (Non-Finnish) descent in gnomAD. At this time, the clinical significance of this variant is uncertain due to the absence of conclusive functional and genetic evidence.

NM_020163.3(SEMA3G):c.1928G>T (p.Arg643Leu)

Gene: SEMA3G (semaphorin 3G; minus strand). Cytogenetic location: 3p21.1.
Variant type: single nucleotide variant.
Coding change: c.1928G>T on transcript NM_020163.3 (MANE Select); coding-DNA position 1928, G replaced by T.
Protein change: p.Arg643Leu; replaces arginine 643 with leucine.
Molecular consequence: missense variant.
Genome position (GRCh38, 1-based): chr3:52,436,024, C>A on the plus strand (G>T on the coding strand, the complement: SEMA3G is on the minus strand). VCF-style: chr3-52436024-C-A. GRCh37 (hg19) VCF-style: chr3-52470040-C-A.
Other names: short protein forms R643L.
Identifiers: ClinVar variation 4986659 (VCV004986659.1).